The following is an entry in ClinVar:

ClinVar aggregate classification (germline): Uncertain significance (1 of 4 stars; one submission).

Conditions:
Alpha-methylacyl-CoA racemase deficiency (AMACRD). Also called: AMACR deficiency. Identifiers: Orphanet 79095, MedGen C3280428, MONDO:0013681, OMIM 614307. Disease mechanism: loss of function.

Allele frequency attached by ClinVar (database versions not stated): gnomAD exomes below 0.00001.
gnomAD v4.1: 1 of 1,614,246 alleles (0.000062%); highest among the groups gnomAD compares: African/African-American, 0.0013%; no homozygotes.

Submission:

Labcorp Genetics (formerly Invitae), Labcorp
Classification: Uncertain significance for Alpha-methylacyl-CoA racemase deficiency. Last evaluated: 2022-02-01. Review status: criteria provided, single submitter. Criteria: Invitae Variant Classification Sherloc (09022015). Collection method: clinical testing. Allele origin: germline.
Comment: In summary, the available evidence is currently insufficient to determine the role of this variant in disease. Therefore, it has been classified as a Variant of Uncertain Significance. Algorithms developed to predict the effect of sequence changes on RNA splicing suggest that this variant may create or strengthen a splice site. Algorithms developed to predict the effect of missense changes on protein structure and function (SIFT, PolyPhen-2, Align-GVGD) all suggest that this variant is likely to be tolerated. This variant has not been reported in the literature in individuals affected with AMACR-related conditions. This variant is not present in population databases (gnomAD no frequency). This sequence change replaces aspartic acid, which is acidic and polar, with glycine, which is neutral and non-polar, at codon 370 of the AMACR protein (p.Asp370Gly).

NM_014324.6(AMACR):c.1109A>G (p.Asp370Gly)

Genes: C1QTNF3-AMACR (C1QTNF3-AMACR readthrough (NMD candidate); minus strand), AMACR (alpha-methylacyl-CoA racemase; minus strand). Cytogenetic location: 5p13.2.
Variant type: single nucleotide variant.
Coding change: c.1109A>G on transcript NM_014324.6 (MANE Select); coding-DNA position 1109, A replaced by G.
Protein change: p.Asp370Gly; replaces aspartic acid 370 with glycine.
Molecular consequence: missense variant. On other transcripts: non-coding transcript variant (1), 3 prime UTR variant (1).
Genome position (GRCh38, 1-based): chr5:33,989,133, T>C on the plus strand (A>G on the coding strand, the complement: AMACR is on the minus strand). VCF-style: chr5-33989133-T-C. GRCh37 (hg19) VCF-style: chr5-33989238-T-C.
Other names: c.1109A>G, p.Asp370Gly (NM_001167595.2); c.*351A>G (NM_203382.3); short protein forms D370G.
Identifiers: ClinVar variation 1353662 (VCV001353662.7), dbSNP rs2112032028, ClinGen allele CA359398617.